The following is an entry in ClinVar:

NM_001267550.2(TTN):c.15211A>G (p.Ile5071Val)

Gene: TTN (titin; minus strand). Cytogenetic location: 2q31.2.
Variant type: single nucleotide variant.
Coding change: c.15211A>G on transcript NM_001267550.2 (MANE Select); coding-DNA position 15211, A replaced by G.
Protein change: p.Ile5071Val; replaces isoleucine 5071 with valine.
Molecular consequence: missense variant. On other transcripts: intron variant (3).
Genome position (GRCh38, 1-based): chr2:178,734,713, T>C on the plus strand (A>G on the coding strand, the complement: TTN is on the minus strand). VCF-style: chr2-178734713-T-C. GRCh37 (hg19) VCF-style: chr2-179599440-T-C.
Other names: c.14260A>G, p.Ile4754Val (NM_001256850.1); c.11479A>G, p.Ile3827Val (NM_133378.4); c.13282+3369A>G (NM_003319.4); c.13858+3369A>G (NM_133437.4); c.13657+3369A>G (NM_133432.3); short protein forms I3827V, I4754V, I5071V.
Identifiers: ClinVar variation 2437979 (VCV002437979.26), dbSNP rs777480345, ClinGen allele CA2002278.
Genomic context (GRCh38, chr2:178,734,713, plus strand): 5'-TAAAAGGGAAATCTTTTCTCAGAAAAATACTGGATGGAAACTCAGTAAACAAACCTTTGA[T>C]AACTATTTCAGTACTGCAGCTATCACTGCCGACGTCATTCACTGCTTCACATGAGTAACT-3'
Protein context (NP_001254479.2, residues 5061-5081): GSDSCSTEIV[Ile5071Val]KEPPSFIKTL

ClinVar aggregate classification (germline): Uncertain significance. Review status: criteria provided, multiple submitters, no conflicts (2 of 4 stars). 3 submissions from 3 submitters: Uncertain significance (3). Last evaluated 2024-07-17.

Allele frequency attached by ClinVar (database versions not stated): gnomAD 0.00001; gnomAD exomes 0.00001; ExAC 0.00002; TOPMed 0.00002.
gnomAD v4.1: 20 of 1,604,108 alleles (0.0012%); highest among the groups gnomAD compares: Middle Eastern, 0.066%; no homozygotes.

Submissions (3):

GeneDx
Classification: Uncertain significance. Last evaluated: 2024-07-17. Review status: criteria provided, single submitter. Criteria: GeneDx Variant Classification Process June 2021. Collection method: clinical testing. Allele origin: germline. Affected: yes.
Comment: Not observed at significant frequency in large population cohorts (gnomAD); Missense variant in a gene in which most reported pathogenic variants are truncating/loss of function; Has not been previously published as pathogenic or benign to our knowledge

CeGaT Center for Human Genetics Tuebingen
Classification: Uncertain significance. Last evaluated: 2024-02-01. Review status: criteria provided, single submitter. Criteria: CeGaT Center For Human Genetics Tuebingen Variant Classification Criteria Version 2. Collection method: clinical testing. Allele origin: germline. Affected: yes. Observed: 1 variant allele.
Comment: TTN: PM2, BP4

Revvity Omics, Revvity
Classification: Uncertain significance. Last evaluated: 2022-04-13. Review status: criteria provided, single submitter. Criteria: ACMG Guidelines, 2015. Collection method: clinical testing. Allele origin: germline.